The following is an entry in ClinVar:

ClinVar aggregate classification (germline): Uncertain significance (1 of 4 stars; one submission).

Submission:

GeneDx
Classification: Uncertain significance. Last evaluated: 2023-01-24. Review status: criteria provided, single submitter. Criteria: GeneDx Variant Classification Process June 2021. Collection method: clinical testing. Allele origin: germline. Affected: yes.
Comment: Not observed at significant frequency in large population cohorts (gnomAD); In silico analysis supports that this missense variant has a deleterious effect on protein structure/function; Has not been previously published as pathogenic or benign to our knowledge

NM_002025.4(AFF2):c.982C>G (p.Pro328Ala)

Gene: AFF2 (ALF transcription elongation factor 2; plus strand). Cytogenetic location: Xq28.
Variant type: single nucleotide variant.
Coding change: c.982C>G on transcript NM_002025.4 (MANE Select); coding-DNA position 982, C replaced by G.
Protein change: p.Pro328Ala; replaces proline 328 with alanine.
Molecular consequence: missense variant.
Genome position (GRCh38, 1-based): chrX:148,662,709, C>G. VCF-style: chrX-148662709-C-G. GRCh37 (hg19) VCF-style: chrX-147744230-C-G.
Other names: c.970C>G, p.Pro324Ala (NM_001169122.2, NM_001169123.2, NM_001169125.2); c.982C>G, p.Pro328Ala (NM_001169124.2); short protein forms P324A, P328A.
Identifiers: ClinVar variation 2573888 (VCV002573888.1), dbSNP rs2521399345, ClinGen allele CA414510439.